The following is an entry in ClinVar:

NM_014712.3(SETD1A):c.3237G>A (p.Pro1079=)

Gene: SETD1A (SET domain containing 1A, histone lysine methyltransferase; plus strand). Cytogenetic location: 16p11.2.
Variant type: single nucleotide variant.
Coding change: c.3237G>A on transcript NM_014712.3 (MANE Select); coding-DNA position 3237, G replaced by A.
Protein change: p.Pro1079=; no amino-acid change (proline 1079 retained).
Molecular consequence: synonymous variant.
Genome position (GRCh38, 1-based): chr16:30,971,598, G>A. VCF-style: chr16-30971598-G-A. GRCh37 (hg19) VCF-style: chr16-30982919-G-A.
Identifiers: ClinVar variation 3341779 (VCV003341779.16).

ClinVar aggregate classification (germline): Likely benign (1 of 4 stars; one submission).

gnomAD v4.1: 22 of 1,613,408 alleles (0.0014%); highest among the groups gnomAD compares: Admixed American, 0.0033%; no homozygotes.

Submission:

CeGaT Center for Human Genetics Tuebingen
Classification: Likely benign. Last evaluated: 2024-08-01. Review status: criteria provided, single submitter. Criteria: CeGaT Center For Human Genetics Tuebingen Variant Classification Criteria Version 2. Collection method: clinical testing. Allele origin: germline. Affected: yes. Observed: 1 variant allele.
Comment: SETD1A: BP4, BP7